The following is an entry in ClinVar:

NM_006186.4(NR4A2):c.489C>A (p.Ile163=)

Gene: NR4A2 (nuclear receptor subfamily 4 group A member 2; minus strand). Cytogenetic location: 2q24.1.
Variant type: single nucleotide variant.
Coding change: c.489C>A on transcript NM_006186.4 (MANE Select); coding-DNA position 489, C replaced by A.
Protein change: p.Ile163=; no amino-acid change (isoleucine 163 retained).
Molecular consequence: synonymous variant.
Genome position (GRCh38, 1-based): chr2:156,329,698, G>T on the plus strand (C>A on the coding strand, the complement: NR4A2 is on the minus strand). VCF-style: chr2-156329698-G-T. GRCh37 (hg19) VCF-style: chr2-157186210-G-T.
Other names: c.300C>A, p.Ile100= (NM_173173.3).
Identifiers: ClinVar variation 718739 (VCV000718739.10), dbSNP rs182148225, ClinGen allele CA1916442.

ClinVar aggregate classification (germline): Benign/Likely benign. Review status: criteria provided, multiple submitters, no conflicts (2 of 4 stars). 2 submissions from 2 submitters: Benign (1); Likely benign (1). Last evaluated 2026-08-01.

Allele frequency attached by ClinVar (database versions not stated): gnomAD exomes 0.00031 and 0.00153; gnomAD 0.00049 and 0.00052; TOPMed 0.00091; ExAC 0.00127; 1000 Genomes Project 0.00140; 1000 Genomes Project 30x 0.00187.
gnomAD v4.1: 527 of 1,614,052 alleles (0.033%); highest among the groups gnomAD compares: Admixed American, 0.85%; 2 homozygotes.

Submissions (2):

CeGaT Center for Human Genetics Tuebingen
Classification: Likely benign. Last evaluated: 2026-08-01. Review status: criteria provided, single submitter. Criteria: CeGaT Center For Human Genetics Tuebingen Variant Classification Criteria Version 2. Collection method: clinical testing. Allele origin: germline. Affected: yes. Observed: 11 variant alleles.
Comment: NR4A2: BP4, BP7, BS1

Labcorp Genetics (formerly Invitae), Labcorp
Classification: Benign. Last evaluated: 2019-12-31. Review status: criteria provided, single submitter. Criteria: Invitae Variant Classification Sherloc (09022015). Collection method: clinical testing. Allele origin: germline.